The following is an entry in ClinVar:

NM_000053.4(ATP7B):c.1705A>T (p.Thr569Ser)

Gene: ATP7B (ATPase copper transporting beta; minus strand). Cytogenetic location: 13q14.3.
Variant type: single nucleotide variant.
Coding change: c.1705A>T on transcript NM_000053.4 (MANE Select); coding-DNA position 1705, A replaced by T.
Protein change: p.Thr569Ser; replaces threonine 569 with serine.
Molecular consequence: missense variant. On other transcripts: intron variant (1).
Genome position (GRCh38, 1-based): chr13:51,968,446, T>A on the plus strand (A>T on the coding strand, the complement: ATP7B is on the minus strand). VCF-style: chr13-51968446-T-A. GRCh37 (hg19) VCF-style: chr13-52542582-T-A.
Other names: c.1705A>T, p.Thr569Ser (NM_001406523.1, NM_001406525.1, NM_001406519.1 and 26 more transcripts); c.1672A>T, p.Thr558Ser (NM_001406524.1, NM_001406514.1); c.1609A>T, p.Thr537Ser (NM_001406517.1, NM_001406518.1, NM_001406543.1 and 3 more transcripts); c.1372A>T, p.Thr458Ser (NM_001243182.2); c.1276A>T, p.Thr426Ser (NM_001406539.1); c.1285+5489A>T (NM_001406548.1); short protein forms T426S, T458S, T537S, T558S, T569S.
Identifiers: ClinVar variation 3385568 (VCV003385568.1).

ClinVar aggregate classification (germline): Uncertain significance (1 of 4 stars; one submission).

Conditions:
Wilson disease (WND). Also called: Wilson's disease. Identifiers: Orphanet 905, MedGen C0019202, MONDO:0010200, OMIM 277900. Disease mechanism: loss of function.

Submission:

All of Us Research Program, National Institutes of Health
Classification: Uncertain significance for Wilson disease. Last evaluated: 2024-03-24. Review status: criteria provided, single submitter. Criteria: ACMG Guidelines, 2015. Collection method: clinical testing. Allele origin: germline. Inheritance: Autosomal recessive inheritance. Observed: 1 variant allele, 1 heterozygote.
Comment: This missense variant replaces threonine with serine at codon 569 of the ATP7B protein. Computational prediction suggests that this variant may not impact protein structure and function (internally defined REVEL score threshold <= 0.5, PMID: 27666373). To our knowledge, functional studies have not been reported for this variant. This variant has not been reported in individuals affected with ATP7B-related disorders in the literature. This variant has not been identified in the general population by the Genome Aggregation Database (gnomAD). The available evidence is insufficient to determine the role of this variant in disease conclusively. Therefore, this variant is classified as a Variant of Uncertain Significance.

This study involves interpretation of variants in research participants for the purpose of population health screening. Participant phenotype was not available at the time of variant classification. Additional details can be found in publication PMID: 35346344, PMCID: PMC8962531